The following is an entry in ClinVar:

NM_130837.3(OPA1):c.1805C>T (p.Ala602Val)

Genes: OPA1 (OPA1 mitochondrial dynamin like GTPase; plus strand), LOC126806913 (BRD4-independent group 4 enhancer GRCh37_chr3:193364377-193365576; plus strand). Cytogenetic location: 3q29.
Variant type: single nucleotide variant.
Coding change: c.1805C>T on transcript NM_130837.3 (MANE Select); coding-DNA position 1805, C replaced by T.
Protein change: p.Ala602Val; replaces alanine 602 with valine.
Molecular consequence: missense variant.
Genome position (GRCh38, 1-based): chr3:193,647,115, C>T. VCF-style: chr3-193647115-C-T. GRCh37 (hg19) VCF-style: chr3-193364904-C-T.
Other names: c.1271C>T, p.Ala424Val (NM_001354663.2); c.1268C>T, p.Ala423Val (NM_001354664.2); c.1640C>T, p.Ala547Val (NM_015560.3); c.1532C>T, p.Ala511Val (NM_130831.3); c.1586C>T, p.Ala529Val (NM_130832.3); c.1643C>T, p.Ala548Val (NM_130833.3); c.1694C>T, p.Ala565Val (NM_130834.3); c.1697C>T, p.Ala566Val (NM_130835.3); and 1 more; short protein forms A424V, A584V, A602V, A511V, A529V, A547V, A565V, A423V.
Identifiers: ClinVar variation 2131674 (VCV002131674.4), dbSNP rs2474921637, ClinGen allele CA355790454.
Genomic context (GRCh38, chr3:193,647,115, plus strand): 5'-TTTTTAATAGGACAAGCATGCTAAAGGCACACCAAGTGACTACAAGAAATTTAAGCCTTG[C>T]AGTATCAGACTGCTTTTGGAAAATGGTACGAGAGTCTGTTGAACAACAGGCTGATAGTTT-3'
Protein context (NP_570850.2, residues 592-612): HQVTTRNLSL[Ala602Val]VSDCFWKMVR

ClinVar aggregate classification (germline): Uncertain significance (1 of 4 stars; one submission).

gnomAD v4.1: 2 of 1,613,318 alleles (0.00012%); highest among the groups gnomAD compares: Non-Finnish European, 0.00017%; no homozygotes.

Submission:

Labcorp Genetics (formerly Invitae), Labcorp
Classification: Uncertain significance. Last evaluated: 2022-10-05. Review status: criteria provided, single submitter. Criteria: Invitae Variant Classification Sherloc (09022015). Collection method: clinical testing. Allele origin: germline.
Comment: Advanced modeling of protein sequence and biophysical properties (such as structural, functional, and spatial information, amino acid conservation, physicochemical variation, residue mobility, and thermodynamic stability) performed at Invitae indicates that this missense variant is expected to disrupt OPA1 protein function. In summary, the available evidence is currently insufficient to determine the role of this variant in disease. Therefore, it has been classified as a Variant of Uncertain Significance. This variant has not been reported in the literature in individuals affected with OPA1-related conditions. This variant is not present in population databases (gnomAD no frequency). This sequence change replaces alanine, which is neutral and non-polar, with valine, which is neutral and non-polar, at codon 547 of the OPA1 protein (p.Ala547Val).